The following is an entry in ClinVar:

NM_012318.3(LETM1):c.1178G>A (p.Arg393His)

Gene: LETM1 (leucine zipper and EF-hand containing transmembrane protein 1; minus strand). Cytogenetic location: 4p16.3.
Variant type: single nucleotide variant.
Coding change: c.1178G>A on transcript NM_012318.3 (MANE Select); coding-DNA position 1178, G replaced by A.
Protein change: p.Arg393His; replaces arginine 393 with histidine.
Molecular consequence: missense variant.
Genome position (GRCh38, 1-based): chr4:1,825,586, C>T on the plus strand (G>A on the coding strand, the complement: LETM1 is on the minus strand). VCF-style: chr4-1825586-C-T. GRCh37 (hg19) VCF-style: chr4-1827313-C-T.
Other names: p.Arg393His; c.1178G>A (NM_012318.2); short protein forms R393H.
Identifiers: ClinVar variation 1300223 (VCV001300223.3), dbSNP rs201808137, ClinGen allele CA2811385.
Genomic context (GRCh38, chr4:1,825,586, plus strand): 5'-GCCCGTGCCGGCCTGGCACCAGGCCAATATTCACGCACCTGCTTCAGCTGACCCCTCAGG[C>T]GGTCTTCCGTGACGCCCAGGGCCCGCATGCCTCGTGCCCGACACGCTGCCTGCAGCTCCT-3'
Protein context (NP_036450.1, residues 383-403): GMRALGVTED[Arg393His]LRGQLKQWLD

ClinVar aggregate classification (germline): Uncertain significance. Review status: criteria provided, single submitter (1 of 4 stars). 2 submissions from 2 submitters: Uncertain significance (1). 1 of the submissions does not count toward it. Last evaluated 2022-11-11.

Conditions:
LETM1-associated clinical spectrum with predominant nervous system involvement.

Allele frequency attached by ClinVar (database versions not stated): gnomAD 0.00001; gnomAD exomes 0.00001 and 0.00005; TOPMed 0.00003; ExAC 0.00006; ESP Exome Variant Server 0.00008; 1000 Genomes Project 0.00020; 1000 Genomes Project 30x 0.00031.
gnomAD v4.1: 24 of 1,613,464 alleles (0.0015%); highest among the groups gnomAD compares: Middle Eastern, 0.017%; no homozygotes.

Submissions (2):

GeneDx
Classification: Uncertain significance. Last evaluated: 2022-11-11. Review status: criteria provided, single submitter. Criteria: GeneDx Variant Classification Process June 2021. Collection method: clinical testing. Allele origin: germline. Affected: yes.
Comment: In silico analysis supports that this missense variant has a deleterious effect on protein structure/function; This variant is associated with the following publications: (PMID: 36055214)

Houlden Lab, UCL Institute of Neurology
Classification: Likely pathogenic for LETM1-associated clinical spectrum with predominant nervous system involvement. Review status: no assertion criteria provided. Collection method: clinical testing. Allele origin: germline. Inheritance: Autosomal recessive inheritance. Affected: yes. Observed: 1 homozygote. Not counted in ClinVar's aggregate classification.